The following is an entry in ClinVar:

NM_014698.3(TMEM63A):c.1533C>T (p.Ile511=)

Gene: TMEM63A (transmembrane protein 63A; minus strand). Cytogenetic location: 1q42.12.
Variant type: single nucleotide variant.
Coding change: c.1533C>T on transcript NM_014698.3 (MANE Select); coding-DNA position 1533, C replaced by T.
Protein change: p.Ile511=; no amino-acid change (isoleucine 511 retained).
Molecular consequence: synonymous variant.
Genome position (GRCh38, 1-based): chr1:225,856,690, G>A on the plus strand (C>T on the coding strand, the complement: TMEM63A is on the minus strand). VCF-style: chr1-225856690-G-A. GRCh37 (hg19) VCF-style: chr1-226044391-G-A.
Identifiers: ClinVar variation 1879113 (VCV001879113.29), dbSNP rs140423726, ClinGen allele CA1419128.

ClinVar aggregate classification (germline): Benign (1 of 4 stars; one submission).

Allele frequency attached by ClinVar (database versions not stated): 1000 Genomes Project 30x 0.00437; 1000 Genomes Project 0.00439; TOPMed 0.00754; ESP Exome Variant Server 0.01000; gnomAD 0.01155; gnomAD exomes 0.01209; ExAC 0.01258.
gnomAD v4.1: 19,264 of 1,613,662 alleles (1.2%); highest among the groups gnomAD compares: Non-Finnish European, 1.3%; 205 homozygotes.

Submission:

CeGaT Center for Human Genetics Tuebingen
Classification: Benign. Last evaluated: 2026-09-01. Review status: criteria provided, single submitter. Criteria: CeGaT Center For Human Genetics Tuebingen Variant Classification Criteria Version 2. Collection method: clinical testing. Allele origin: germline. Affected: yes. Observed: 28 variant alleles.
Comment: TMEM63A: BS1, BS2